The following is an entry in ClinVar:

NM_001191061.2(SLC25A22):c.420del (p.Arg141fs)

Gene: SLC25A22 (solute carrier family 25 member 22; minus strand). Cytogenetic location: 11p15.5.
Variant type: Deletion.
Coding change: c.420del on transcript NM_001191061.2 (MANE Select); coding-DNA position 420, one base deleted (G; older notation c.420delG).
Protein change: p.Arg141fs; shifts the reading frame from arginine 141.
Molecular consequence: frameshift variant.
Genome position (GRCh38, 1-based): chr11:792,720, C deleted on the plus strand (G on the coding strand, the reverse complement: SLC25A22 is on the minus strand). VCF-style (leftmost placement, unchanged base first): chr11-792719-TC-T. GRCh37 (hg19) VCF-style: chr11-792719-TC-T.
Other names: c.420del, p.Arg141fs (NM_001191060.2, NM_024698.6); short protein forms R141fs.
Identifiers: ClinVar variation 1397414 (VCV001397414.7), dbSNP rs2133702082, ClinGen allele CA2573147245.

ClinVar aggregate classification (germline): Pathogenic (1 of 4 stars; one submission).

Conditions:
Early-infantile DEE. Also called: Early infantile epileptic encephalopathy with suppression bursts; Early infantile epileptic encephalopathy; Ohtahara syndrome. Identifiers: Orphanet 1934, MedGen C0393706, MONDO:0800491.

Submission:

Labcorp Genetics (formerly Invitae), Labcorp
Classification: Pathogenic for Early-infantile DEE. Last evaluated: 2022-08-15. Review status: criteria provided, single submitter. Criteria: Invitae Variant Classification Sherloc (09022015). Collection method: clinical testing. Allele origin: germline.
Comment: For these reasons, this variant has been classified as Pathogenic. ClinVar contains an entry for this variant (Variation ID: 1397414). This variant has not been reported in the literature in individuals affected with SLC25A22-related conditions. This variant is not present in population databases (gnomAD no frequency). This sequence change creates a premature translational stop signal (p.Arg141Glyfs*33) in the SLC25A22 gene. It is expected to result in an absent or disrupted protein product. Loss-of-function variants in SLC25A22 are known to be pathogenic (PMID: 15592994, 19780765).

Literature cited by the submitters: PubMed 15592994; PubMed 19780765.